The following is an entry in ClinVar:

NM_033305.3(VPS13A):c.6253A>G (p.Lys2085Glu)

Gene: VPS13A (vacuolar protein sorting 13 homolog A; plus strand). Cytogenetic location: 9q21.2.
Variant type: single nucleotide variant.
Coding change: c.6253A>G on transcript NM_033305.3 (MANE Select); coding-DNA position 6253, A replaced by G.
Protein change: p.Lys2085Glu; replaces lysine 2085 with glutamic acid.
Molecular consequence: missense variant.
Genome position (GRCh38, 1-based): chr9:77,337,412, A>G. VCF-style: chr9-77337412-A-G. GRCh37 (hg19) VCF-style: chr9-79952328-A-G.
Other names: c.6136A>G, p.Lys2046Glu (NM_001018037.2); c.6253A>G, p.Lys2085Glu (NM_001018038.3, NM_015186.4); short protein forms K2046E, K2085E.
Identifiers: ClinVar variation 3687847 (VCV003687847.2).

ClinVar aggregate classification (germline): Uncertain significance (1 of 4 stars; one submission).

gnomAD v4.1: 2 of 1,613,206 alleles (0.00012%); highest among the groups gnomAD compares: South Asian, 0.0011%; no homozygotes.

Submission:

Labcorp Genetics (formerly Invitae), Labcorp
Classification: Uncertain significance. Last evaluated: 2024-10-22. Review status: criteria provided, single submitter. Criteria: Invitae Variant Classification Sherloc (09022015). Collection method: clinical testing. Allele origin: germline.
Comment: This sequence change replaces lysine, which is basic and polar, with glutamic acid, which is acidic and polar, at codon 2085 of the VPS13A protein (p.Lys2085Glu). This variant is present in population databases (no rsID available, gnomAD 0.003%). This variant has not been reported in the literature in individuals affected with VPS13A-related conditions. Invitae Evidence Modeling of protein sequence and biophysical properties (such as structural, functional, and spatial information, amino acid conservation, physicochemical variation, residue mobility, and thermodynamic stability) indicates that this missense variant is expected to disrupt VPS13A protein function with a positive predictive value of 80%. In summary, the available evidence is currently insufficient to determine the role of this variant in disease. Therefore, it has been classified as a Variant of Uncertain Significance.